The following is an entry in ClinVar:

ClinVar aggregate classification (germline): Pathogenic (1 of 4 stars; one submission).

Conditions:
Developmental and epileptic encephalopathy, 9 (DEE9). Also called: Early infantile epileptic encephalopathy 9; PCDH19-Related X-Linked Female-Limited Epilepsy with Mental Retardation; EPILEPSY, FEMALE-RESTRICTED, WITH MENTAL RETARDATION; JUBERG-HELLMAN SYNDROME. Identifiers: Orphanet 101039, Orphanet 2076, MedGen C1848137, MONDO:0010246, OMIM 300088. Disease mechanism: loss of function.

Submission:

Labcorp Genetics (formerly Invitae), Labcorp
Classification: Pathogenic for Developmental and epileptic encephalopathy, 9. Last evaluated: 2019-10-18. Review status: criteria provided, single submitter. Criteria: Invitae Variant Classification Sherloc (09022015). Collection method: clinical testing. Allele origin: germline.
Comment: For these reasons, this variant has been classified as Pathogenic. Loss-of-function variants in PCDH19 are known to be pathogenic (PMID: 21053371). This variant has not been reported in the literature in individuals with PCDH19-related conditions. This variant is not present in population databases (ExAC no frequency). This sequence change creates a premature translational stop signal (p.Lys194Argfs*18) in the PCDH19 gene. It is expected to result in an absent or disrupted protein product.

Literature cited by the submitters: PubMed 21053371.

NM_001184880.2(PCDH19):c.581del (p.Lys194fs)

Gene: PCDH19 (protocadherin 19; minus strand). Cytogenetic location: Xq22.1.
Variant type: Deletion.
Coding change: c.581del on transcript NM_001184880.2 (MANE Select); coding-DNA position 581, one base deleted (A; older notation c.581delA).
Protein change: p.Lys194fs; shifts the reading frame from lysine 194.
Molecular consequence: frameshift variant.
Genome position (GRCh38, 1-based): chrX:100,408,017, T deleted on the plus strand (A on the coding strand, the reverse complement: PCDH19 is on the minus strand); the first of 4 consecutive T bases (chrX:100,408,017-100,408,020); deleting any one gives the same sequence. VCF-style (leftmost placement, unchanged base first): chrX-100408016-CT-C. GRCh37 (hg19) VCF-style: chrX-99663014-CT-C.
Other names: c.581del, p.Lys194fs (NM_001105243.2, NM_020766.3); short protein forms K194fs.
Identifiers: ClinVar variation 969611 (VCV000969611.8), dbSNP rs1928448324, ClinGen allele CA1139667693.
Genomic context (GRCh38, chrX:100,408,016, plus strand): 5'-GCCACCGTCTAGCGCAGTGATTCGGAAGCTGTAGTGCGACTGCGTCTCGCGGTCCAGGCT[CT>C]TTTCCACCACGAGTTCGGCAAAGCGGGAGCCGTCGCCGCGCGTCTTGATCTCCAGGCCGA-3'